The following is an entry in ClinVar:

ClinVar aggregate classification (germline): Uncertain significance (1 of 4 stars; one submission).

Conditions:
Intellectual disability, autosomal recessive 53 (NEDHSCA). Also called: NEURODEVELOPMENTAL DISORDER WITH OR WITHOUT HYPOTONIA, SEIZURES, AND CEREBELLAR ATROPHY; GLYCOSYLPHOSPHATIDYLINOSITOL BIOSYNTHESIS DEFECT 13; Mental retardation, autosomal recessive 53. Identifiers: Orphanet 488635, MedGen C4310794, MONDO:0014832, OMIM 616917.

Allele frequency attached by ClinVar (database versions not stated): gnomAD exomes 0.00002 and 0.00004; ExAC 0.00004; TOPMed 0.00007; gnomAD 0.00008 and 0.00009; ESP Exome Variant Server 0.00015; 1000 Genomes Project 0.00020; 1000 Genomes Project 30x 0.00031.
gnomAD v4.1: 33 of 1,606,904 alleles (0.0021%); highest among the groups gnomAD compares: African/African-American, 0.025%; no homozygotes.

Submission:

Labcorp Genetics (formerly Invitae), Labcorp
Classification: Uncertain significance for Intellectual disability, autosomal recessive 53. Last evaluated: 2023-11-27. Review status: criteria provided, single submitter. Criteria: Invitae Variant Classification Sherloc (09022015). Collection method: clinical testing. Allele origin: germline.
Comment: This sequence change replaces arginine, which is basic and polar, with tryptophan, which is neutral and slightly polar, at codon 742 of the PIGG protein (p.Arg742Trp). This variant is present in population databases (rs114633303, gnomAD 0.03%). This variant has not been reported in the literature in individuals affected with PIGG-related conditions. ClinVar contains an entry for this variant (Variation ID: 1412094). Advanced modeling of protein sequence and biophysical properties (such as structural, functional, and spatial information, amino acid conservation, physicochemical variation, residue mobility, and thermodynamic stability) performed at Invitae indicates that this missense variant is not expected to disrupt PIGG protein function with a negative predictive value of 80%. In summary, the available evidence is currently insufficient to determine the role of this variant in disease. Therefore, it has been classified as a Variant of Uncertain Significance.

NM_001127178.3(PIGG):c.2224C>T (p.Arg742Trp)

Gene: PIGG (phosphatidylinositol glycan anchor biosynthesis class G (EMM blood group); plus strand). Cytogenetic location: 4p16.3.
Variant type: single nucleotide variant.
Coding change: c.2224C>T on transcript NM_001127178.3 (MANE Select); coding-DNA position 2224, C replaced by T.
Protein change: p.Arg742Trp; replaces arginine 742 with tryptophan.
Molecular consequence: missense variant. On other transcripts: non-coding transcript variant (10).
Genome position (GRCh38, 1-based): chr4:527,193, C>T. VCF-style: chr4-527193-C-T. GRCh37 (hg19) VCF-style: chr4-520982-C-T.
Other names: c.1957C>T, p.Arg653Trp (NM_001289051.2, NM_001345986.2); c.1825C>T, p.Arg609Trp (NM_001289052.2); c.1933C>T, p.Arg645Trp (NM_001345987.2); c.1195C>T, p.Arg399Trp (NM_001345988.2); c.691C>T, p.Arg231Trp (NM_001345990.2, NM_001345991.2); c.1126C>T, p.Arg376Trp (NM_001345994.2); c.2200C>T, p.Arg734Trp (NM_017733.5); short protein forms R376W, R609W, R231W, R734W, R653W, R742W, R399W, R645W.
Identifiers: ClinVar variation 1412094 (VCV001412094.5), dbSNP rs114633303, ClinGen allele CA2793574.